The following is an entry in ClinVar:

ClinVar aggregate classification (germline): Uncertain significance (1 of 4 stars; one submission).

Conditions:
Noonan syndrome 9 (NS9). Identifiers: Orphanet 648, MedGen C4225282, MONDO:0014691, OMIM 616559.

Allele frequency attached by ClinVar (database versions not stated): TOPMed below 0.00001.

Submission:

Labcorp Genetics (formerly Invitae), Labcorp
Classification: Uncertain significance for Noonan syndrome 9. Last evaluated: 2025-07-31. Review status: criteria provided, single submitter. Criteria: Invitae Variant Classification Sherloc (09022015). Collection method: clinical testing. Allele origin: germline.
Comment: This sequence change replaces glutamic acid, which is acidic and polar, with aspartic acid, which is acidic and polar, at codon 156 of the SOS2 protein (p.Glu156Asp). This variant is not present in population databases (gnomAD no frequency). This variant has not been reported in the literature in individuals affected with SOS2-related conditions. ClinVar contains an entry for this variant (Variation ID: 2999508). Invitae Evidence Modeling of protein sequence and biophysical properties (such as structural, functional, and spatial information, amino acid conservation, physicochemical variation, residue mobility, and thermodynamic stability) indicates that this missense variant is not expected to disrupt SOS2 protein function with a negative predictive value of 95%. In summary, the available evidence is currently insufficient to determine the role of this variant in disease. Therefore, it has been classified as a Variant of Uncertain Significance.

NM_006939.4(SOS2):c.468A>C (p.Glu156Asp)

Gene: SOS2 (SOS Ras/Rho guanine nucleotide exchange factor 2; minus strand). Cytogenetic location: 14q21.3.
Variant type: single nucleotide variant.
Coding change: c.468A>C on transcript NM_006939.4 (MANE Select); coding-DNA position 468, A replaced by C.
Protein change: p.Glu156Asp; replaces glutamic acid 156 with aspartic acid.
Molecular consequence: missense variant.
Genome position (GRCh38, 1-based): chr14:50,199,733, T>G on the plus strand (A>C on the coding strand, the complement: SOS2 is on the minus strand). VCF-style: chr14-50199733-T-G. GRCh37 (hg19) VCF-style: chr14-50666451-T-G.
Other names: c.468A>C, p.Glu156Asp (NM_001411020.1); short protein forms E156D.
Identifiers: ClinVar variation 2999508 (VCV002999508.3), dbSNP rs1886424066, ClinGen allele CA389649528.